The following is an entry in ClinVar:

ClinVar aggregate classification (germline): Uncertain significance. Review status: criteria provided, multiple submitters, no conflicts (2 of 4 stars). 2 submissions from 2 submitters: Uncertain significance (2). Last evaluated 2023-06-29.

Conditions:
Hereditary cancer-predisposing syndrome. Also called: Neoplastic Syndromes, Hereditary; Tumor predisposition; Hereditary Cancer Syndrome; Hereditary neoplastic syndrome. Identifiers: Orphanet 140162, MedGen C0027672, MeSH D009386, MONDO:0015356.
Familial cancer of breast. Also called: BREAST CANCER, FAMILIAL; Hereditary breast cancer; hereditary breast carcinoma. Identifiers: Orphanet 227535, MedGen C0346153, MONDO:0016419, OMIM 114480. Disease mechanism: loss of function.

Submissions (2):

Ambry Genetics
Classification: Uncertain significance for Hereditary cancer-predisposing syndrome. Last evaluated: 2023-06-29. Review status: criteria provided, single submitter. Criteria: Ambry Variant Classification Scheme 2023. Collection method: clinical testing. Allele origin: germline.
Comment: The p.P806Q variant (also known as c.2417C>A), located in coding exon 5 of the PALB2 gene, results from a C to A substitution at nucleotide position 2417. The proline at codon 806 is replaced by glutamine, an amino acid with similar properties. This amino acid position is poorly conserved in available vertebrate species. In addition, this alteration is predicted to be tolerated by in silico analysis. Since supporting evidence is limited at this time, the clinical significance of this alteration remains unclear.

Labcorp Genetics (formerly Invitae), Labcorp
Classification: Uncertain significance for Familial cancer of breast. Last evaluated: 2020-10-05. Review status: criteria provided, single submitter. Criteria: Invitae Variant Classification Sherloc (09022015). Collection method: clinical testing. Allele origin: germline.
Comment: In summary, the available evidence is currently insufficient to determine the role of this variant in disease. Therefore, it has been classified as a Variant of Uncertain Significance. Algorithms developed to predict the effect of sequence changes on RNA splicing suggest that this variant may create or strengthen a splice site, but this prediction has not been confirmed by published transcriptional studies. Algorithms developed to predict the effect of missense changes on protein structure and function are either unavailable or do not agree on the potential impact of this missense change (SIFT: "Tolerated"; PolyPhen-2: "Possibly Damaging"; Align-GVGD: "Class C0"). This variant has not been reported in the literature in individuals with PALB2-related conditions. ClinVar contains an entry for this variant (Variation ID: 821148). This variant is not present in population databases (ExAC no frequency). This sequence change replaces proline with glutamine at codon 806 of the PALB2 protein (p.Pro806Gln). The proline residue is moderately conserved and there is a moderate physicochemical difference between proline and glutamine.

NM_024675.4(PALB2):c.2417C>A (p.Pro806Gln)

Gene: PALB2 (partner and localizer of BRCA2; minus strand). Cytogenetic location: 16p12.2.
Variant type: single nucleotide variant.
Coding change: c.2417C>A on transcript NM_024675.4 (MANE Select); coding-DNA position 2417, C replaced by A.
Protein change: p.Pro806Gln; replaces proline 806 with glutamine.
Molecular consequence: missense variant.
Genome position (GRCh38, 1-based): chr16:23,629,737, G>T on the plus strand (C>A on the coding strand, the complement: PALB2 is on the minus strand). VCF-style: chr16-23629737-G-T. GRCh37 (hg19) VCF-style: chr16-23641058-G-T.
Other names: short protein forms P806Q.
Identifiers: ClinVar variation 821148 (VCV000821148.15), dbSNP rs45464991, ClinGen allele CA395124347.
Genomic context (GRCh38, chr16:23,629,737, plus strand): 5'-TTTCTACAGAGCTGATTTTCTTTAAAAGTGAATGACTCAATGGGTGGAGGTGTTCCTGGC[G>T]GGACAGAGTCACAGTCACAGGTAGGTTGTCCTTGCCTGCCTGACACTTGCAGGGTGGTAT-3'
Protein context (NP_078951.2, residues 796-816): GQPTCDCDSV[Pro806Gln]PGTPPPIESF